The following is an entry in ClinVar:

ClinVar aggregate classification (germline): Uncertain significance. Review status: criteria provided, multiple submitters, no conflicts (2 of 4 stars). 2 submissions from 2 submitters: Uncertain significance (2). Last evaluated 2026-01-30.

Conditions:
Hereditary cancer-predisposing syndrome. Also called: Tumor predisposition; Hereditary neoplastic syndrome; Neoplastic Syndromes, Hereditary; Hereditary Cancer Syndrome. Identifiers: Orphanet 140162, MedGen C0027672, MeSH D009386, MONDO:0015356.

Allele frequency attached by ClinVar (database versions not stated): gnomAD exomes below 0.00001.

Submissions (2):

Labcorp Genetics (formerly Invitae), Labcorp
Classification: Uncertain significance. Last evaluated: 2026-01-30. Review status: criteria provided, single submitter. Criteria: Invitae Variant Classification Sherloc (09022015). Collection method: clinical testing. Allele origin: germline.
Comment: This sequence change replaces serine, which is neutral and polar, with proline, which is neutral and non-polar, at codon 256 of the HOXB13 protein (p.Ser256Pro). This variant is present in population databases (no rsID available, gnomAD 0.0009%). This variant has not been reported in the literature in individuals affected with HOXB13-related conditions. ClinVar contains an entry for this variant (Variation ID: 1008259). Invitae Evidence Modeling of protein sequence and biophysical properties (such as structural, functional, and spatial information, amino acid conservation, physicochemical variation, residue mobility, and thermodynamic stability) indicates that this missense variant is not expected to disrupt HOXB13 protein function with a negative predictive value of 80%. In summary, the available evidence is currently insufficient to determine the role of this variant in disease. Therefore, it has been classified as a Variant of Uncertain Significance.

Ambry Genetics
Classification: Uncertain significance for Hereditary cancer-predisposing syndrome. Last evaluated: 2025-09-04. Review status: criteria provided, single submitter. Criteria: Ambry Variant Classification Scheme 2023. Collection method: clinical testing. Allele origin: germline.
Comment: The p.S256P variant (also known as c.766T>C), located in coding exon 2 of the HOXB13 gene, results from a T to C substitution at nucleotide position 766. The serine at codon 256 is replaced by proline, an amino acid with similar properties. This amino acid position is highly conserved in available vertebrate species. In addition, this alteration is predicted to be deleterious by in silico analysis. Since supporting evidence is limited at this time, the clinical significance of this alteration remains unclear.

NM_006361.6(HOXB13):c.766T>C (p.Ser256Pro)

Gene: HOXB13 (homeobox B13; minus strand). Cytogenetic location: 17q21.32.
Variant type: single nucleotide variant.
Coding change: c.766T>C on transcript NM_006361.6 (MANE Select); coding-DNA position 766, T replaced by C.
Protein change: p.Ser256Pro; replaces serine 256 with proline.
Molecular consequence: missense variant.
Genome position (GRCh38, 1-based): chr17:48,726,879, A>G on the plus strand (T>C on the coding strand, the complement: HOXB13 is on the minus strand). VCF-style: chr17-48726879-A-G. GRCh37 (hg19) VCF-style: chr17-46804241-A-G.
Other names: short protein forms S256P.
Identifiers: ClinVar variation 1008259 (VCV001008259.14), dbSNP rs1163323986, ClinGen allele CA400105929.
Genomic context (GRCh38, chr17:48,726,879, plus strand): 5'-CGAGAACCTTCTTCTCTTTGACCCGGCGGTTCTGAAACCAGATGGTAATCTGGCGCTCCG[A>G]GAGGCTGGTGGCTGCCGAGATCTTGCGCCTCTTGTCCTTGGTGATGAACTTGTTAGCCGC-3'
Protein context (NP_006352.2, residues 246-266): RRKISAATSL[Ser256Pro]ERQITIWFQN